The following is an entry in ClinVar:

NM_001042492.3(NF1):c.3295A>G (p.Lys1099Glu)

Gene: NF1 (neurofibromin 1; plus strand). Cytogenetic location: 17q11.2.
Variant type: single nucleotide variant.
Coding change: c.3295A>G on transcript NM_001042492.3 (MANE Select); coding-DNA position 3295, A replaced by G.
Protein change: p.Lys1099Glu; replaces lysine 1099 with glutamic acid.
Molecular consequence: missense variant.
Genome position (GRCh38, 1-based): chr17:31,232,170, A>G. VCF-style: chr17-31232170-A-G. GRCh37 (hg19) VCF-style: chr17-29559188-A-G.
Other names: Lys1099Glu; c.3295A>G, p.Lys1099Glu (NM_000267.4); short protein forms K1099E.
Identifiers: ClinVar variation 1708593 (VCV001708593.9), dbSNP rs2151433872, ClinGen allele CA398988899.

ClinVar aggregate classification (germline): Likely pathogenic. Review status: criteria provided, multiple submitters, no conflicts (2 of 4 stars). 4 submissions from 4 submitters: Likely pathogenic (4). Last evaluated 2025-10-25.

Conditions:
Neurofibromatosis, type 1 (NF1). Also called: Peripheral type neurofibromatosis; VON RECKLINGHAUSEN DISEASE; NEUROFIBROMATOSIS, TYPE I, SOMATIC; Neurofibromatosis, type I. Identifiers: Orphanet 636, MedGen C0027831, MONDO:0018975, OMIM 162200. Disease mechanism: loss of function.
Cardiovascular phenotype. Identifiers: MedGen CN230736.
Hereditary cancer-predisposing syndrome. Also called: Hereditary neoplastic syndrome; Tumor predisposition; Neoplastic Syndromes, Hereditary; Hereditary Cancer Syndrome. Identifiers: Orphanet 140162, MedGen C0027672, MeSH D009386, MONDO:0015356.

Submissions (4):

Foundation for Research in Genetics and Endocrinology, FRIGE's Institute of Human Genetics
Classification: Likely pathogenic for Neurofibromatosis, type 1. Last evaluated: 2025-10-25. Review status: criteria provided, single submitter. Criteria: ACMG Guidelines, 2015. Collection method: clinical testing. Allele origin: germline. Inheritance: Autosomal dominant inheritance. Affected: yes. Observed: 1 heterozygote.
Comment: A heterozygous variant in exon 25 of the NF1 gene that results in the amino acid substitution of glutamic acid for lysine at codon 1099 was detected. This variant has not been reported in 1000 genomes and gnomAD databases. The variant has been classified as deleterious according to in silico predictions tools like Revel. In summary, the variant meets our criteria to be classified as likely pathogenic.

Ambry Genetics
Classification: Likely pathogenic for Cardiovascular phenotype; Hereditary cancer-predisposing syndrome. Last evaluated: 2024-12-03. Review status: criteria provided, single submitter. Criteria: Ambry Variant Classification Scheme 2023. Collection method: clinical testing. Allele origin: germline.
Comment: The p.K1099E variant (also known as c.3295A>G), located in coding exon 25 of the NF1 gene, results from an A to G substitution at nucleotide position 3295. The lysine at codon 1099 is replaced by glutamic acid, an amino acid with similar properties. This variant was reported in individual(s) with features consistent with neurofibromatosis type 1 (NF1); in at least one individual, it was determined to be de novo (external communication; van Minkelen R, et al. Clin. Genet. 2014;85(4):318-27; Xu W, et al. Int. J. Mol. Med. 2014;34(1):53-60). This amino acid position is highly conserved in available vertebrate species. In addition, this alteration is predicted to be deleterious by in silico analysis. This variant is considered to be rare based on population cohorts in the Genome Aggregation Database (gnomAD). Based on the majority of available evidence to date, this variant is likely to be pathogenic.

Labcorp Genetics (formerly Invitae), Labcorp
Classification: Likely pathogenic for Neurofibromatosis, type 1. Last evaluated: 2022-12-14. Review status: criteria provided, single submitter. Criteria: Invitae Variant Classification Sherloc (09022015). Collection method: clinical testing. Allele origin: germline.
Comment: This sequence change replaces lysine, which is basic and polar, with glutamic acid, which is acidic and polar, at codon 1099 of the NF1 protein (p.Lys1099Glu). This variant is not present in population databases (gnomAD no frequency). This missense change has been observed in individual(s) with neurofibromatosis type I (Invitae). ClinVar contains an entry for this variant (Variation ID: 1708593). Advanced modeling of protein sequence and biophysical properties (such as structural, functional, and spatial information, amino acid conservation, physicochemical variation, residue mobility, and thermodynamic stability) performed at Invitae indicates that this missense variant is expected to disrupt NF1 protein function. In summary, the currently available evidence indicates that the variant is pathogenic, but additional data are needed to prove that conclusively. Therefore, this variant has been classified as Likely Pathogenic.

GeneDx
Classification: Likely pathogenic. Last evaluated: 2022-05-18. Review status: criteria provided, single submitter. Criteria: GeneDx Variant Classification Process June 2021. Collection method: clinical testing. Allele origin: germline. Affected: yes.
Comment: Not observed at significant frequency in large population cohorts (gnomAD); In silico analysis supports that this missense variant has a deleterious effect on protein structure/function; Has not been previously published as pathogenic or benign to our knowledge; This variant is associated with the following publications: (PMID: 25486365, 2121369)

Literature cited by the submitters: PubMed 23656349 (cited by Ambry Genetics); PubMed 24789688 (cited by Ambry Genetics).